The following is an entry in ClinVar:

ClinVar aggregate classification (germline): Likely benign (1 of 4 stars; one submission).

Allele frequency attached by ClinVar (database versions not stated): 1000 Genomes Project 30x 0.00016; 1000 Genomes Project 0.00020; TOPMed 0.00042; gnomAD 0.00045; ESP Exome Variant Server 0.00062; gnomAD exomes 0.00067; ExAC 0.00068.
gnomAD v4.1: 1,055 of 1,613,654 alleles (0.065%); highest among the groups gnomAD compares: South Asian, 0.17%; 3 homozygotes.

Submission:

CeGaT Center for Human Genetics Tuebingen
Classification: Likely benign. Last evaluated: 2022-07-01. Review status: criteria provided, single submitter. Criteria: CeGaT Center For Human Genetics Tuebingen Variant Classification Criteria Version 2. Collection method: clinical testing. Allele origin: germline. Affected: yes. Observed: 1 variant allele.
Comment: SDK1: BP4, BP7

NM_152744.4(SDK1):c.1359C>T (p.Ser453=)

Gene: SDK1 (sidekick cell adhesion molecule 1; plus strand). Cytogenetic location: 7p22.2.
Variant type: single nucleotide variant.
Coding change: c.1359C>T on transcript NM_152744.4 (MANE Select); coding-DNA position 1359, C replaced by T.
Protein change: p.Ser453=; no amino-acid change (serine 453 retained).
Molecular consequence: synonymous variant.
Genome position (GRCh38, 1-based): chr7:3,962,781, C>T. VCF-style: chr7-3962781-C-T. GRCh37 (hg19) VCF-style: chr7-4002413-C-T.
Identifiers: ClinVar variation 2657246 (VCV002657246.24), dbSNP rs141891693, ClinGen allele CA4133660.
Genomic context (GRCh38, chr7:3,962,781, plus strand): 5'-TCGATACAAAGTGCTCGCCAGCGGAGGCCTGCGCATCCAGAAGCTGCGTCCAGAGGACTC[C>T]GGAATCTTCCAGTGCTTCGCCAGCAATGAAGGAGGGGAGATCCAGACCCACACCTACCTG-3'
Protein context (NP_689957.3, residues 443-463): LRIQKLRPED[Ser453=]GIFQCFASNE